The following is an entry in ClinVar:

NM_020297.4(ABCC9):c.3559G>C (p.Ala1187Pro)

Gene: ABCC9 (ATP binding cassette subfamily C member 9; minus strand). Cytogenetic location: 12p12.1.
Variant type: single nucleotide variant.
Coding change: c.3559G>C on transcript NM_020297.4 (MANE Select); coding-DNA position 3559, G replaced by C.
Protein change: p.Ala1187Pro; replaces alanine 1187 with proline.
Molecular consequence: missense variant.
Genome position (GRCh38, 1-based): chr12:21,838,085, C>G on the plus strand (G>C on the coding strand, the complement: ABCC9 is on the minus strand). VCF-style: chr12-21838085-C-G. GRCh37 (hg19) VCF-style: chr12-21991019-C-G.
Other names: c.3559G>C, p.Ala1187Pro (NM_001377273.1, NM_005691.4); c.2692G>C, p.Ala898Pro (NM_001377274.1); short protein forms A1187P, A898P.
Identifiers: ClinVar variation 4860464 (VCV004860464.1).

ClinVar aggregate classification (germline): Uncertain significance (1 of 4 stars; one submission).

Conditions:
Cardiovascular phenotype. Identifiers: MedGen CN230736.

Submission:

Ambry Genetics
Classification: Uncertain significance for Cardiovascular phenotype. Last evaluated: 2026-03-29. Review status: criteria provided, single submitter. Criteria: Ambry Variant Classification Scheme 2023. Collection method: clinical testing. Allele origin: germline.
Comment: The p.A1187P variant (also known as c.3559G>C), located in coding exon 28 of the ABCC9 gene, results from a G to C substitution at nucleotide position 3559. The alanine at codon 1187 is replaced by proline, an amino acid with highly similar properties. This amino acid position is conserved. In addition, this alteration is predicted to be deleterious by in silico analysis. Based on the available evidence, the clinical significance of this variant remains unclear.